The following is an entry in ClinVar:

ClinVar aggregate classification (germline): Uncertain significance. Review status: criteria provided, single submitter (1 of 4 stars). 2 submissions from 2 submitters: Uncertain significance (1). 1 of the submissions does not count toward it. Last evaluated 2024-03-20.

Conditions:
Inborn genetic diseases. Identifiers: MedGen C0950123, MeSH D030342.

Allele frequency attached by ClinVar (database versions not stated): gnomAD exomes below 0.00001.
gnomAD v4.1: 2 of 1,613,844 alleles (0.00012%); highest among the groups gnomAD compares: East Asian, 0.0022%; no homozygotes.

Submissions (2):

Ambry Genetics
Classification: Uncertain significance for Inborn genetic diseases. Last evaluated: 2024-03-20. Review status: criteria provided, single submitter. Criteria: Ambry Variant Classification Scheme 2023. Collection method: clinical testing. Allele origin: germline.
Comment: The p.Q827R variant (also known as c.2480A>G), located in coding exon 19 of the BUB1B gene, results from an A to G substitution at nucleotide position 2480. The glutamine at codon 827 is replaced by arginine, an amino acid with highly similar properties. This amino acid position is conserved. In addition, this alteration is predicted to be tolerated by in silico analysis. Based on the available evidence, the clinical significance of this alteration remains unclear.

ITMI
No classification provided. Condition: AllHighlyPenetrant. Last evaluated: 2013-09-19. Review status: no classification provided. Collection method: reference population. Allele origin: germline. Not counted in ClinVar's aggregate classification.
Comment: Please see associated publication for description of ethnicities

Literature cited by the submitters: PubMed 24728327 (cited by ITMI).

NM_001211.6(BUB1B):c.2480A>G (p.Gln827Arg)

Gene: BUB1B (BUB1 mitotic checkpoint serine/threonine kinase B; plus strand). Cytogenetic location: 15q15.1.
Variant type: single nucleotide variant.
Coding change: c.2480A>G on transcript NM_001211.6 (MANE Select); coding-DNA position 2480, A replaced by G.
Protein change: p.Gln827Arg; replaces glutamine 827 with arginine.
Molecular consequence: missense variant.
Genome position (GRCh38, 1-based): chr15:40,212,593, A>G. VCF-style: chr15-40212593-A-G. GRCh37 (hg19) VCF-style: chr15-40504794-A-G.
Other names: c.2480A>G (NM_001211.5); short protein forms Q827R.
Identifiers: ClinVar variation 133771 (VCV000133771.2), dbSNP rs587778143, ClinGen allele CA157762.
Genomic context (GRCh38, chr15:40,212,593, plus strand): 5'-TCAACCTCAAGTTAAAGGAACGTTTAAATGAAGATTTTGATCATTTTTGCAGCTGTTATC[A>G]ATATCAAGATGGCTGTATTGTTTGGCACCAATATATAAACTGCTTCACCCTTCAGGTCTG-3'
Protein context (NP_001202.5, residues 817-837): EDFDHFCSCY[Gln827Arg]YQDGCIVWHQ